The following is an entry in ClinVar:

ClinVar aggregate classification (germline): Uncertain significance (0 of 4 stars; one submission).

Conditions:
MAGEL2-related disorder. Also called: MAGEL2-related condition.

Submission:

PreventionGenetics, part of Exact Sciences
Classification: Uncertain significance for MAGEL2-related condition. Last evaluated: 2023-12-07. Review status: no assertion criteria provided. Collection method: clinical testing. Allele origin: germline.
Comment: The MAGEL2 c.2843G>A variant is predicted to result in the amino acid substitution p.Gly948Asp. To our knowledge, this variant has not been reported in the literature. This variant is reported in 0.0029% of alleles in individuals of Latino descent in gnomAD. At this time, the clinical significance of this variant is uncertain due to the absence of conclusive functional and genetic evidence.

NM_019066.5(MAGEL2):c.2843G>A (p.Gly948Asp)

Gene: MAGEL2 (MAGE family member L2; minus strand). Cytogenetic location: 15q11.2.
Variant type: single nucleotide variant.
Coding change: c.2843G>A on transcript NM_019066.5 (MANE Select); coding-DNA position 2843, G replaced by A.
Protein change: p.Gly948Asp; replaces glycine 948 with aspartic acid.
Molecular consequence: missense variant.
Genome position (GRCh38, 1-based): chr15:23,644,900, C>T on the plus strand (G>A on the coding strand, the complement: MAGEL2 is on the minus strand). VCF-style: chr15-23644900-C-T. GRCh37 (hg19) VCF-style: chr15-23890047-C-T.
Other names: short protein forms G948D.
Identifiers: ClinVar variation 3349460 (VCV003349460.1).
Genomic context (GRCh38, chr15:23,644,900, plus strand): 5'-CTCAGGGCCCAGGATGCGCTGGGCCCTTCCCAGCCACTCAGGATCCTGGAGGTGCTAGGG[C>T]CCTCCCAACCACTCAGGCCACGGGGGGTGTTTGGGTGCTCCCAGTCACCCGAGACCTGGA-3'
Protein context (NP_061939.3, residues 938-958): NTPRGLSGWE[Gly948Asp]PSTSRILSGW